The following is an entry in ClinVar:

ClinVar aggregate classification (germline): Uncertain significance. Review status: criteria provided, multiple submitters, no conflicts (2 of 4 stars). 7 submissions from 7 submitters: Uncertain significance (6). 1 of the submissions does not count toward it. Last evaluated 2026-01-06.

Conditions:
Charcot-Marie-Tooth disease type 2. Also called: Charcot-Marie-Tooth type 2. Identifiers: Orphanet 64746, MedGen C0270914, MONDO:0018993.
Charcot-Marie-Tooth disease. Also called: Charcot-Marie-Tooth Hereditary Neuropathy; Charcot-Marie-Tooth Neuropathy. Identifiers: Orphanet 166, MedGen C0007959, MONDO:0015626.
Inborn genetic diseases. Identifiers: MedGen C0950123, MeSH D030342.
Charcot-Marie-Tooth disease axonal type 2N (CMT2N). Also called: Charcot-Marie-Tooth Neuropathy Type 2N; CHARCOT-MARIE-TOOTH DISEASE, AXONAL, AUTOSOMAL DOMINANT, TYPE 2N; CHARCOT-MARIE-TOOTH NEUROPATHY, AXONAL, TYPE 2N. Identifiers: Orphanet 228174, MedGen C2750090, MONDO:0013212, OMIM 613287.

Allele frequency attached by ClinVar (database versions not stated): TOPMed 0.00001; gnomAD 0.00002; gnomAD exomes 0.00002; ExAC 0.00003.
gnomAD v4.1: 42 of 1,613,986 alleles (0.0026%); highest among the groups gnomAD compares: Non-Finnish European, 0.0031%; no homozygotes.

Submissions (7):

Women's Health and Genetics/Laboratory Corporation of America, LabCorp
Classification: Uncertain significance. Last evaluated: 2026-01-06. Review status: criteria provided, single submitter. Criteria: LabCorp Variant Classification Summary - May 2015. Collection method: clinical testing. Allele origin: germline.
Comment: Variant summary: AARS1 c.2129C>T (p.Pro710Leu) results in a non-conservative amino acid change in the encoded protein sequence. Algorithms developed to predict the effect of missense changes on protein structure and function are either unavailable or do not agree on the potential impact of this missense change. The variant allele was found at a frequency of 2.1e-05 in 282518 control chromosomes. The available data on variant occurrences in the general population are insufficient to allow any conclusion about variant significance. To our knowledge, no occurrence of c.2129C>T in individuals affected with AARS1-related conditions and no experimental evidence demonstrating its impact on protein function have been reported. ClinVar contains an entry for this variant (Variation ID: 320333). Based on the evidence outlined above, the variant was classified as uncertain significance.

Labcorp Genetics (formerly Invitae), Labcorp
Classification: Uncertain significance for Charcot-Marie-Tooth disease type 2. Last evaluated: 2025-10-22. Review status: criteria provided, single submitter. Criteria: Invitae Variant Classification Sherloc (09022015). Collection method: clinical testing. Allele origin: germline.
Comment: This sequence change replaces proline, which is neutral and non-polar, with leucine, which is neutral and non-polar, at codon 710 of the AARS protein (p.Pro710Leu). This variant is present in population databases (rs754391789, gnomAD 0.004%). This variant has not been reported in the literature in individuals affected with AARS-related conditions. ClinVar contains an entry for this variant (Variation ID: 320333). An algorithm developed to predict the effect of missense changes on protein structure and function (PolyPhen-2) suggests that this variant is likely to be disruptive. In summary, the available evidence is currently insufficient to determine the role of this variant in disease. Therefore, it has been classified as a Variant of Uncertain Significance.

Ambry Genetics
Classification: Uncertain significance for Inborn genetic diseases. Last evaluated: 2025-01-17. Review status: criteria provided, single submitter. Criteria: Ambry Variant Classification Scheme 2023. Collection method: clinical testing. Allele origin: germline.

Blueprint Genetics
Classification: Uncertain significance. Last evaluated: 2024-08-29. Review status: criteria provided, single submitter. Criteria: ACMG Guidelines, 2015. Collection method: clinical testing. Allele origin: germline.

CeGaT Center for Human Genetics Tuebingen
Classification: Uncertain significance. Last evaluated: 2022-11-01. Review status: criteria provided, single submitter. Criteria: CeGaT Center For Human Genetics Tuebingen Variant Classification Criteria Version 2. Collection method: clinical testing. Allele origin: germline. Affected: yes. Observed: 1 variant allele.

Illumina Laboratory Services, Illumina
Classification: Uncertain significance for Charcot-Marie-Tooth disease axonal type 2N. Last evaluated: 2018-01-13. Review status: criteria provided, single submitter. Criteria: ICSL Variant Classification Criteria 13 December 2019. Collection method: clinical testing. Allele origin: germline.

Genesis Genome Database
Classification: Uncertain significance for Charcot-Marie-Tooth disease. Last evaluated: 2019-08-14. Review status: no assertion criteria provided. Collection method: research. Allele origin: germline. Affected: yes. Not counted in ClinVar's aggregate classification.

NM_001605.3(AARS1):c.2129C>T (p.Pro710Leu)

Gene: AARS1 (alanyl-tRNA synthetase 1; minus strand). Cytogenetic location: 16q22.1.
Variant type: single nucleotide variant.
Coding change: c.2129C>T on transcript NM_001605.3 (MANE Select); coding-DNA position 2129, C replaced by T.
Protein change: p.Pro710Leu; replaces proline 710 with leucine.
Molecular consequence: missense variant.
Genome position (GRCh38, 1-based): chr16:70,258,081, G>A on the plus strand (C>T on the coding strand, the complement: AARS1 is on the minus strand). VCF-style: chr16-70258081-G-A. GRCh37 (hg19) VCF-style: chr16-70291984-G-A.
Other names: short protein forms P710L.
Identifiers: ClinVar variation 320333 (VCV000320333.43), dbSNP rs754391789, ClinGen allele CA8140556.
Genomic context (GRCh38, chr16:70,258,081, plus strand): 5'-TGCAGTACTCACGTTCCCCCACAGAACTCAACAGAAGTCAGGGAGCCAGCAGGCCCAGAG[G>A]GGTCATCCAGCAACTCGGACACCGGGACCCCAATGGAGACGACTCGCACAGGGTCAGGAT-3'
Protein context (NP_001596.2, residues 700-720): GVPVSELLDD[Pro710Leu]SGPAGSLTSV